The following is an entry in ClinVar:

NM_000175.5(GPI):c.623T>C (p.Ile208Thr)

Gene: GPI (glucose-6-phosphate isomerase; plus strand). Cytogenetic location: 19q13.11.
Variant type: single nucleotide variant.
Coding change: c.623T>C on transcript NM_000175.5 (MANE Select); coding-DNA position 623, T replaced by C.
Protein change: p.Ile208Thr; replaces isoleucine 208 with threonine.
Molecular consequence: missense variant.
Genome position (GRCh38, 1-based): chr19:34,377,871, T>C. VCF-style: chr19-34377871-T-C. GRCh37 (hg19) VCF-style: chr19-34868776-T-C.
Other names: p.Ile208Thr; c.656T>C, p.Ile219Thr (NM_001184722.1); c.740T>C, p.Ile247Thr (NM_001289789.1); c.539T>C, p.Ile180Thr (NM_001289790.3); c.623T>C, p.Ile208Thr (NM_001329909.1, NM_001329910.1, NM_001329911.2); c.623T>C (NM_000175.4); short protein forms I208T, I219T, I180T, I247T.
Identifiers: ClinVar variation 402910 (VCV000402910.49), dbSNP rs8191371, ClinGen allele CA9367114.

ClinVar aggregate classification (germline): Benign/Likely benign. Review status: criteria provided, multiple submitters, no conflicts (2 of 4 stars). 8 submissions from 8 submitters: Benign (3); Likely benign (4). 1 of the submissions does not count toward it. Last evaluated 2026-05-01.

Conditions:
Hemolytic anemia due to glucophosphate isomerase deficiency (CNSHA4). Also called: ANEMIA, CONGENITAL, NONSPHEROCYTIC HEMOLYTIC, 4. Identifiers: Orphanet 712, MedGen C0272064, MONDO:0013275, OMIM 613470.
GPI-related disorder. Also called: GPI-related condition.

Allele frequency attached by ClinVar (database versions not stated): 1000 Genomes Project 30x 0.00890; 1000 Genomes Project 0.00899; TOPMed 0.01351; gnomAD 0.01437 and 0.01440; ESP Exome Variant Server 0.01530; ExAC 0.01553; gnomAD exomes 0.01563 and 0.02138.
gnomAD v4.1: 33,204 of 1,614,108 alleles (2.1%); highest among the groups gnomAD compares: Non-Finnish European, 2.4%; 420 homozygotes.

Submissions (8):

CeGaT Center for Human Genetics Tuebingen
Classification: Benign. Last evaluated: 2026-05-01. Review status: criteria provided, single submitter. Criteria: CeGaT Center For Human Genetics Tuebingen Variant Classification Criteria Version 2. Collection method: clinical testing. Allele origin: germline. Affected: yes. Observed: 16 variant alleles.
Comment: GPI: PP3, BS1, BS2

Labcorp Genetics (formerly Invitae), Labcorp
Classification: Benign. Last evaluated: 2026-02-03. Review status: criteria provided, single submitter. Criteria: Invitae Variant Classification Sherloc (09022015). Collection method: clinical testing. Allele origin: germline.

ARUP Laboratories, Molecular Genetics and Genomics, ARUP Laboratories
Classification: Benign for Hemolytic anemia due to glucophosphate isomerase deficiency. Last evaluated: 2025-06-30. Review status: criteria provided, single submitter. Criteria: ARUP Molecular Germline Variant Investigation Process 2024. Collection method: clinical testing. Allele origin: germline.

Blueprint Genetics
Classification: Likely benign. Last evaluated: 2024-11-28. Review status: criteria provided, single submitter. Criteria: ACMG Guidelines, 2015. Collection method: clinical testing. Allele origin: germline.

Mayo Clinic Laboratories, Mayo Clinic
Classification: Likely benign. Last evaluated: 2024-11-22. Review status: criteria provided, single submitter. Criteria: ACMG Guidelines, 2015. Collection method: clinical testing. Allele origin: germline. Observed: 67 variant alleles.

Laboratory for Molecular Medicine, Mass General Brigham Personalized Medicine
Classification: Likely benign. Last evaluated: 2016-03-28. Review status: criteria provided, single submitter. Criteria: LMM Criteria. Collection method: clinical testing. Allele origin: germline.
Comment: Variant identified in a genome or exome case(s) and assessed due to predicted null impact of the variant or pathogenic assertions in the literature or databases. Disclaimer: This variant has not undergone full assessment. The following are preliminary notes: 1.5% of total chromosomes in ExAC, 2% (1358/66686) of European chromosomes

Breakthrough Genomics
Classification: Likely benign. Review status: criteria provided, single submitter. Criteria: ACMG Guidelines, 2015. Collection method: not provided. Allele origin: germline. Inheritance: Autosomal recessive inheritance. Affected: yes.

PreventionGenetics, part of Exact Sciences
Classification: Benign for GPI-related condition. Last evaluated: 2019-03-06. Review status: no assertion criteria provided. Collection method: clinical testing. Allele origin: germline. Not counted in ClinVar's aggregate classification.
Comment: This variant is classified as benign based on ACMG/AMP sequence variant interpretation guidelines (Richards et al. 2015 PMID: 25741868, with internal and published modifications).